The following is an entry in ClinVar:

NM_000257.4(MYH7):c.3840_3841delinsAA (p.Gln1281Lys)

Gene: MYH7 (myosin heavy chain 7; minus strand). Cytogenetic location: 14q11.2.
Variant type: Indel.
Coding change: c.3840_3841delinsAA on transcript NM_000257.4 (MANE Select); coding-DNA positions 3840 to 3841, GC replaced by AA.
Protein change: p.Gln1281Lys; replaces glutamine 1281 with lysine.
Molecular consequence: missense variant.
Genome position (GRCh38, 1-based): chr14:23,419,495-23,419,496, GC replaced by TT on the plus strand (GC replaced by AA on the coding strand, the reverse complement: MYH7 is on the minus strand). VCF-style: chr14-23419495-GC-TT. GRCh37 (hg19) VCF-style: chr14-23888704-GC-TT.
Other names: c.3840_3841delinsAA, p.Gln1281Lys (NM_001407004.1); short protein forms Q1281K.
Identifiers: ClinVar variation 3668470 (VCV003668470.2).
Genomic context (GRCh38, chr14:23,419,495, plus strand): 5'-GTTGGGGAGACTGTGGTGGGAACCATGGAGCCCCTGCTCTAGGCTCACCATTCTCGGTTT[GC>TT]AACTTGGCCCGCTGGCTGGTGAGGTCGTTGACAGAACGCTGGGTCTCCTCCGCCTTGCTC-3'
Protein context (NP_000248.2, residues 1271-1291): NDLTSQRAKL[Gln1281Lys]TENGELSRQL

ClinVar aggregate classification (germline): Uncertain significance (1 of 4 stars; one submission).

Conditions:
Hypertrophic cardiomyopathy. Also called: HYPERTROPHIC MYOCARDIOPATHY. Identifiers: Orphanet 217569, MedGen C0007194, MeSH D002312, MONDO:0005045, HP:0001639.

Submission:

Labcorp Genetics (formerly Invitae), Labcorp
Classification: Uncertain significance for Hypertrophic cardiomyopathy. Last evaluated: 2024-07-30. Review status: criteria provided, single submitter. Criteria: Invitae Variant Classification Sherloc (09022015). Collection method: clinical testing. Allele origin: germline.
Comment: This sequence change replaces glutamine, which is neutral and polar, with lysine, which is basic and polar, at codon 1281 of the MYH7 protein (p.Gln1281Lys). Information on the frequency of this variant in the gnomAD database is not available, as this variant may be reported differently in the database. This variant has not been reported in the literature in individuals affected with MYH7-related conditions. Experimental studies and prediction algorithms are not available or were not evaluated, and the functional significance of this variant is currently unknown. In summary, the available evidence is currently insufficient to determine the role of this variant in disease. Therefore, it has been classified as a Variant of Uncertain Significance.